The following is an entry in ClinVar:

NM_001267550.2(TTN):c.64688_64689insA (p.Gln21564fs)

Genes: TTN-AS1 (TTN antisense RNA 1; plus strand), TTN (titin; minus strand). Cytogenetic location: 2q31.2.
Variant type: Insertion.
Coding change: c.64688_64689insA on transcript NM_001267550.2 (MANE Select); coding-DNA positions 64688 to 64689, A inserted.
Protein change: p.Gln21564fs; shifts the reading frame from glutamine 21564.
Molecular consequence: frameshift variant. On other transcripts: non-coding transcript variant (1).
Genome position: GRCh38 VCF-style: chr2-178584952-A-AT. GRCh37 (hg19) VCF-style: chr2-179449679-A-AT.
Other names: c.59765_59766insA, p.Gln19923fs (NM_001256850.1); c.37493_37494insA, p.Gln12499fs (NM_003319.4); c.56984_56985insA, p.Gln18996fs (NM_133378.4); c.37868_37869insA, p.Gln12624fs (NM_133432.3); c.38069_38070insA, p.Gln12691fs (NM_133437.4); short protein forms Q12624fs, Q18996fs, Q12499fs, Q12691fs, Q19923fs, Q21564fs.
Identifiers: ClinVar variation 1468134 (VCV001468134.6), dbSNP rs2154180169, ClinGen allele CA2573134185.

ClinVar aggregate classification (germline): Likely pathogenic (1 of 4 stars; one submission).

Conditions:
Dilated cardiomyopathy 1G (CMD1G). Identifiers: Orphanet 154, MedGen C1858763, MONDO:0011400, OMIM 604145.
Autosomal recessive limb-girdle muscular dystrophy type 2J (LGMDR10). Also called: Limb-girdle muscular dystrophy, type 2J; MUSCULAR DYSTROPHY, LIMB-GIRDLE, AUTOSOMAL RECESSIVE 10. Identifiers: Orphanet 140922, MedGen C1837342, MONDO:0012127, OMIM 608807.

Submission:

Labcorp Genetics (formerly Invitae), Labcorp
Classification: Likely pathogenic for Dilated cardiomyopathy 1G; Autosomal recessive limb-girdle muscular dystrophy type 2J. Last evaluated: 2023-04-05. Review status: criteria provided, single submitter. Criteria: Invitae Variant Classification Sherloc (09022015). Collection method: clinical testing. Allele origin: germline.
Comment: In summary, the currently available evidence indicates that the variant is pathogenic, but additional data are needed to prove that conclusively. Therefore, this variant has been classified as Likely Pathogenic. This sequence change creates a premature translational stop signal (p.Gln21564Serfs*5) in the TTN gene. While this is not anticipated to result in nonsense mediated decay, it is expected to create a truncated TTN protein. This variant is not present in population databases (gnomAD no frequency). This variant has not been reported in the literature in individuals affected with TTN-related conditions. ClinVar contains an entry for this variant (Variation ID: 1468134). This variant is located in the A band of TTN (PMID: 25589632). Truncating variants in this region are significantly overrepresented in patients affected with dilated cardiomyopathy (PMID: 25589632). Truncating variants in this region have also been reported in individuals affected with autosomal recessive centronuclear myopathy (PMID: 23975875).

Literature cited by the submitters: PubMed 25589632; PubMed 23975875.